The following is an entry in ClinVar:

ClinVar aggregate classification (germline): Uncertain significance. Review status: criteria provided, multiple submitters, no conflicts (2 of 4 stars). 2 submissions from 2 submitters: Uncertain significance (2). Last evaluated 2024-02-23.

Conditions:
Developmental and epileptic encephalopathy, 14 (DEE14). Also called: Early infantile epileptic encephalopathy 14. Identifiers: Orphanet 293181, MedGen C3554195, MONDO:0013989, OMIM 614959.
Autosomal dominant nocturnal frontal lobe epilepsy 5. Also called: KCNT1-Related Epilepsy; Epilepsy, nocturnal frontal lobe, 5; CILIARY DYSKINESIA, PRIMARY, 28, WITHOUT SITUS INVERSUS; CILIARY DYSKINESIA, PRIMARY, 28, WITH SITUS INVERSUS. Identifiers: Orphanet 98784, MedGen C3554306, MONDO:0014002, OMIM 615005.

Submissions (2):

Labcorp Genetics (formerly Invitae), Labcorp
Classification: Uncertain significance for Autosomal dominant nocturnal frontal lobe epilepsy 5; Developmental and epileptic encephalopathy, 14. Last evaluated: 2024-02-23. Review status: criteria provided, single submitter. Criteria: Invitae Variant Classification Sherloc (09022015). Collection method: clinical testing. Allele origin: germline.
Comment: This sequence change results in a frameshift in the KCNT1 gene (p.Gln1234Alafs*25). While this is not anticipated to result in nonsense mediated decay, it is expected to disrupt the last 2 amino acid(s) of the KCNT1 protein and extend the protein by 22 additional amino acid residues. This variant is not present in population databases (gnomAD no frequency). This frameshift has been observed in individual(s) with clinical features of KCNT1-related conditions (Invitae). ClinVar contains an entry for this variant (Variation ID: 1509187). Experimental studies and prediction algorithms are not available or were not evaluated, and the functional significance of this variant is currently unknown. In summary, the available evidence is currently insufficient to determine the role of this variant in disease. Therefore, it has been classified as a Variant of Uncertain Significance.

GeneDx
Classification: Uncertain significance. Last evaluated: 2022-03-14. Review status: criteria provided, single submitter. Criteria: GeneDx Variant Classification Process June 2021. Collection method: clinical testing. Allele origin: germline. Affected: yes.
Comment: Not observed at significant frequency in large population cohorts (gnomAD); Frameshift variant predicted to result in protein truncation as the last 2 amino acids are replaced with 24 different amino acids, although loss-of-function variants have not been reported downstream of this position in the protein; Has not been previously published as pathogenic or benign to our knowledge

NM_020822.3(KCNT1):c.3700_3701del (p.Gln1234fs)

Gene: KCNT1 (potassium sodium-activated channel subfamily T member 1; plus strand). Cytogenetic location: 9q34.3.
Variant type: Microsatellite.
Coding change: c.3700_3701del on transcript NM_020822.3 (MANE Select); coding-DNA positions 3700 to 3701, 2 bases deleted (CA; older notation c.3700_3701delCA).
Protein change: p.Gln1234fs; shifts the reading frame from glutamine 1234.
Molecular consequence: frameshift variant.
Genome position (GRCh38, 1-based): chr9:135,792,153-135,792,154, CA deleted; deleting any 2 consecutive bases within chr9:135,792,150-135,792,154 gives the same sequence; the c. name uses the placement nearest the transcript's 3' end. VCF-style (leftmost placement, unchanged base first): chr9-135792149-GAC-G. GRCh37 (hg19) VCF-style: chr9-138683995-GAC-G.
Other names: c.3628_3629del, p.Gln1210fs (NM_001272003.2); short protein forms Q1234fs, Q1210fs.
Identifiers: ClinVar variation 1509187 (VCV001509187.7), dbSNP rs1834589533, ClinGen allele CA1883892700.